The following is an entry in ClinVar:

ClinVar aggregate classification (germline): Uncertain significance (1 of 4 stars; one submission).

Conditions:
LRP1B-related disorder. Also called: LRP1B-related condition.

Allele frequency attached by ClinVar (database versions not stated): TOPMed below 0.00001; ExAC 0.00001; gnomAD exomes 0.00001.
gnomAD v4.1: 4 of 1,612,864 alleles (0.00025%); highest among the groups gnomAD compares: Admixed American, 0.0067%; no homozygotes.

Submission:

PreventionGenetics, part of Exact Sciences
Classification: Uncertain significance for LRP1B-related condition. Last evaluated: 2022-11-07. Review status: criteria provided, single submitter. Criteria: ACMG Guidelines, 2015. Collection method: clinical testing. Allele origin: germline.
Comment: The LRP1B c.205+2T>A variant is predicted to disrupt the GT donor site and interfere with normal splicing. To our knowledge, this variant has not been reported in the literature. This variant is reported in 0.015% of alleles in individuals of Latino descent in gnomAD. At this time, the clinical significance of this variant is uncertain due to the absence of conclusive functional and genetic evidence.

NM_018557.3(LRP1B):c.205+2T>A

Gene: LRP1B (LDL receptor related protein 1B; minus strand). Cytogenetic location: 2q22.2.
Variant type: single nucleotide variant.
Coding change: c.205+2T>A on transcript NM_018557.3 (MANE Select); the canonical splice donor site of the intron after coding-DNA position 205, T replaced by A.
Molecular consequence: splice donor variant.
Genome position (GRCh38, 1-based): chr2:141,810,277, A>T on the plus strand (T>A on the coding strand, the complement: LRP1B is on the minus strand). VCF-style: chr2-141810277-A-T. GRCh37 (hg19) VCF-style: chr2-142567846-A-T.
Identifiers: ClinVar variation 2636290 (VCV002636290.1), dbSNP rs752524016, ClinGen allele CA1896394.
Genomic context (GRCh38, chr2:141,810,277, plus strand): 5'-CAACTGACATTTAGTTTCACATGTAAGGTAAATCCGAATGGCATGAGAACCTTTCTACTC[A>T]CAGGTATCTAAAGACTCGTCTGAATCATCAGGGCAGTCAGGGTCCCCATCACACAGCCAG-3'